The following is an entry in ClinVar:

ClinVar aggregate classification (germline): Likely benign (1 of 4 stars; one submission).

Allele frequency attached by ClinVar (database versions not stated): 1000 Genomes Project 0.00080; 1000 Genomes Project 30x 0.00094; ESP Exome Variant Server 0.00305; ExAC 0.00311.
gnomAD v4.1: 5,304 of 1,613,652 alleles (0.33%); highest among the groups gnomAD compares: Middle Eastern, 0.59%; 16 homozygotes.

Submission:

CeGaT Center for Human Genetics Tuebingen
Classification: Likely benign. Last evaluated: 2022-09-01. Review status: criteria provided, single submitter. Criteria: CeGaT Center For Human Genetics Tuebingen Variant Classification Criteria Version 2. Collection method: clinical testing. Allele origin: germline. Affected: yes. Observed: 2 variant alleles.
Comment: GOT1L1: BP4, BP7

NM_152413.3(GOT1L1):c.81T>C (p.Asp27=)

Gene: GOT1L1 (glutamic-oxaloacetic transaminase 1 like 1; minus strand). Cytogenetic location: 8p11.23.
Variant type: single nucleotide variant.
Coding change: c.81T>C on transcript NM_152413.3 (MANE Select); coding-DNA position 81, T replaced by C.
Protein change: p.Asp27=; no amino-acid change (aspartic acid 27 retained).
Molecular consequence: synonymous variant.
Genome position (GRCh38, 1-based): chr8:37,939,949, A>G on the plus strand (T>C on the coding strand, the complement: GOT1L1 is on the minus strand). VCF-style: chr8-37939949-A-G. GRCh37 (hg19) VCF-style: chr8-37797467-A-G.
Identifiers: ClinVar variation 2658540 (VCV002658540.24), dbSNP rs151011886, ClinGen allele CA4714257.
Genomic context (GRCh38, chr8:37,939,949, plus strand): 5'-ATACTTCAGAACTGCTAGGCATCTACCTCTATAGGCTAAGAATATCTTGTTCGGGTAATC[A>G]TCTTGTTTGTAGGTCTTTAACAAGCTGCCCTCTAGCTTGTGGGCGAGGGGCACATCCATG-3'
Protein context (NP_689626.2, residues 17-37): EGSLLKTYKQ[Asp27=]DYPNKIFLAY